The following is an entry in ClinVar:

NM_015386.3(COG4):c.2083G>T (p.Val695Leu)

Gene: COG4 (component of oligomeric golgi complex 4; minus strand). Cytogenetic location: 16q22.1.
Variant type: single nucleotide variant.
Coding change: c.2083G>T on transcript NM_015386.3 (MANE Select); coding-DNA position 2083, G replaced by T.
Protein change: p.Val695Leu; replaces valine 695 with leucine.
Molecular consequence: missense variant. On other transcripts: non-coding transcript variant (1).
Genome position (GRCh38, 1-based): chr16:70,481,787, C>A on the plus strand (G>T on the coding strand, the complement: COG4 is on the minus strand). VCF-style: chr16-70481787-C-A. GRCh37 (hg19) VCF-style: chr16-70515690-C-A.
Other names: c.2008G>T, p.Val670Leu (NM_001195139.2); c.1657G>T, p.Val553Leu (NM_001365426.1); short protein forms V553L, V695L, V670L.
Identifiers: ClinVar variation 655434 (VCV000655434.8), dbSNP rs1597651455, ClinGen allele CA396578828.

ClinVar aggregate classification (germline): Uncertain significance (1 of 4 stars; one submission).

Conditions:
COG4-congenital disorder of glycosylation. Also called: CONGENITAL DISORDER OF GLYCOSYLATION, TYPE IIj; CDG IIj; COG4-CDG. Identifiers: Orphanet 263501, MedGen C4303552, MONDO:0013281, OMIM 613489.

Submission:

Labcorp Genetics (formerly Invitae), Labcorp
Classification: Uncertain significance for COG4-congenital disorder of glycosylation. Last evaluated: 2020-01-27. Review status: criteria provided, single submitter. Criteria: Invitae Variant Classification Sherloc (09022015). Collection method: clinical testing. Allele origin: germline.
Comment: In summary, the available evidence is currently insufficient to determine the role of this variant in disease. Therefore, it has been classified as a Variant of Uncertain Significance. Algorithms developed to predict the effect of missense changes on protein structure and function (SIFT, PolyPhen-2, Align-GVGD) all suggest that this variant is likely to be tolerated, but these predictions have not been confirmed by published functional studies and their clinical significance is uncertain. This variant has not been reported in the literature in individuals with COG4-related disease. This variant is not present in population databases (ExAC no frequency). This sequence change replaces valine with leucine at codon 695 of the COG4 protein (p.Val695Leu). The valine residue is moderately conserved and there is a small physicochemical difference between valine and leucine.